The following is an entry in ClinVar:

ClinVar aggregate classification (germline): Conflicting classifications of pathogenicity. Review status: criteria provided, conflicting classifications (1 of 4 stars). 3 submissions from 3 submitters: Uncertain significance (1); Likely benign (2). Last evaluated 2026-09-09.

Conditions:
MAN2B1-related disorder. Also called: MAN2B1-related condition.
Deficiency of alpha-mannosidase (MANSA). Also called: Mannosidosis, alpha-, types I and II; LYSOSOMAL ALPHA-D-MANNOSIDASE DEFICIENCY; Alpha-Mannosidosis. Identifiers: Orphanet 61, MedGen C0024748, MONDO:0009561, OMIM 248500.

Allele frequency attached by ClinVar (database versions not stated): ExAC 0.00003; gnomAD exomes 0.00004 and 0.00008; TOPMed 0.00006; gnomAD 0.00007 and 0.00008; ESP Exome Variant Server 0.00008.
gnomAD v4.1: 128 of 1,614,092 alleles (0.0079%); highest among the groups gnomAD compares: Non-Finnish European, 0.0099%; no homozygotes.

Submissions (3):

PreventionGenetics, part of Exact Sciences
Classification: Likely benign for MAN2B1-related condition. Last evaluated: 2026-09-09. Review status: criteria provided, single submitter. Criteria: ACMG Guidelines, 2015. Collection method: clinical testing. Allele origin: germline.
Comment: This variant is classified as likely benign based on ACMG/AMP sequence variant interpretation guidelines (Richards et al. 2015 PMID: 25741868, with internal and published modifications).

Labcorp Genetics (formerly Invitae), Labcorp
Classification: Likely benign for Deficiency of alpha-mannosidase. Last evaluated: 2025-05-13. Review status: criteria provided, single submitter. Criteria: Invitae Variant Classification Sherloc (09022015). Collection method: clinical testing. Allele origin: germline.

Illumina Laboratory Services, Illumina
Classification: Uncertain significance for Deficiency of alpha-mannosidase. Last evaluated: 2018-01-13. Review status: criteria provided, single submitter. Criteria: ICSL Variant Classification Criteria 13 December 2019. Collection method: clinical testing. Allele origin: germline.

NM_000528.4(MAN2B1):c.2886C>T (p.Arg962=)

Gene: MAN2B1 (mannosidase alpha class 2B member 1; minus strand). Cytogenetic location: 19p13.13.
Variant type: single nucleotide variant.
Coding change: c.2886C>T on transcript NM_000528.4 (MANE Select); coding-DNA position 2886, C replaced by T.
Protein change: p.Arg962=; no amino-acid change (arginine 962 retained).
Molecular consequence: synonymous variant.
Genome position (GRCh38, 1-based): chr19:12,647,270, G>A on the plus strand (C>T on the coding strand, the complement: MAN2B1 is on the minus strand). VCF-style: chr19-12647270-G-A. GRCh37 (hg19) VCF-style: chr19-12758084-G-A.
Other names: c.2883C>T, p.Arg961= (NM_001173498.2).
Identifiers: ClinVar variation 328252 (VCV000328252.10), dbSNP rs142797984, ClinGen allele CA9225887.
Genomic context (GRCh38, chr19:12,647,270, plus strand): 5'-CCTACCCCTGACCAGGGCCCCACCTGTGTTTGTTGTCCACTTGAGCCTGGAGGCTGCCTC[G>A]CGGAGCTGGTTGGCCACCAGCGTGGTCTCCTGCAGGCGGGTGATGGTGAAGGTGGAGAAC-3'
Protein context (NP_000519.2, residues 952-972): QETTLVANQL[Arg962=]EAASRLKWTT